The following is an entry in ClinVar:

NM_001372066.1(TFAP2A):c.721T>C (p.Ser241Pro)

Genes: TFAP2A (transcription factor AP-2 alpha; minus strand), TFAP2A-AS2 (TFAP2A antisense RNA 2; plus strand), LOC121740638 (BRD4-independent group 4 enhancer GRCh37_chr6:10403277-10404476; plus strand). Cytogenetic location: 6p24.3.
Variant type: single nucleotide variant.
Coding change: c.721T>C on transcript NM_001372066.1 (MANE Select); coding-DNA position 721, T replaced by C.
Protein change: p.Ser241Pro; replaces serine 241 with proline.
Molecular consequence: missense variant. On other transcripts: non-coding transcript variant (1).
Genome position (GRCh38, 1-based): chr6:10,404,557, A>G on the plus strand (T>C on the coding strand, the complement: TFAP2A is on the minus strand). VCF-style: chr6-10404557-A-G. GRCh37 (hg19) VCF-style: chr6-10404790-A-G.
Other names: NM_003220.2:c.715T>C; c.697T>C, p.Ser233Pro (NM_001032280.3); c.703T>C, p.Ser235Pro (NM_001042425.3); short protein forms S233P, S235P, S241P.
Identifiers: ClinVar variation 1303161 (VCV001303161.2), dbSNP rs2114014341, ClinGen allele CA362701237.

ClinVar aggregate classification (germline): Uncertain significance (1 of 4 stars; one submission).

Submission:

GeneDx
Classification: Uncertain significance. Last evaluated: 2021-01-15. Review status: criteria provided, single submitter. Criteria: GeneDx Variant Classification Process June 2021. Collection method: clinical testing. Allele origin: germline. Affected: yes.
Comment: In silico analysis supports that this missense variant has a deleterious effect on protein structure/function; Not observed in large population cohorts (Lek et al., 2016); This variant is associated with the following publications: (PMID: 21204207, 19764023, 23578821)